The following is an entry in ClinVar:

ClinVar aggregate classification (germline): Benign/Likely benign. Review status: criteria provided, multiple submitters, no conflicts (2 of 4 stars). 2 submissions from 2 submitters: Benign (1); Likely benign (1). Last evaluated 2025-03-16.

Conditions:
Cataract 6 multiple types. Also called: CATARACT 6, POSTERIOR POLAR; CATARACT 6, CONGENITAL TOTAL; CATARACT, AGE-RELATED CORTICAL, 2. Identifiers: Orphanet 91492, MedGen C1861825, MONDO:0007288, OMIM 116600.

Allele frequency attached by ClinVar (database versions not stated): gnomAD 0.00003; TOPMed 0.00008; ExAC 0.00014; gnomAD exomes 0.00016.
gnomAD v4.1: 55 of 1,614,024 alleles (0.0034%); highest among the groups gnomAD compares: East Asian, 0.058%; no homozygotes.

Submissions (2):

Labcorp Genetics (formerly Invitae), Labcorp
Classification: Likely benign for Cataract 6 multiple types. Last evaluated: 2025-03-16. Review status: criteria provided, single submitter. Criteria: Invitae Variant Classification Sherloc (09022015). Collection method: clinical testing. Allele origin: germline.

Illumina Laboratory Services, Illumina
Classification: Benign for Cataract 6 multiple types. Last evaluated: 2018-01-12. Review status: criteria provided, single submitter. Criteria: ICSL Variant Classification Criteria 13 December 2019. Collection method: clinical testing. Allele origin: germline.
Comment: This variant was observed in the ICSL laboratory as part of a predisposition screen in an ostensibly healthy population. It had not been previously curated by ICSL or reported in the Human Gene Mutation Database (HGMD: prior to June 1st, 2018), and was therefore a candidate for classification through an automated scoring system. Utilizing variant allele frequency, disease prevalence and penetrance estimates, and inheritance mode, an automated score was calculated to assess if this variant is too frequent to cause the disease. Based on the score and internal cut-off values, a variant classified as benign is not then subjected to further curation. The score for this variant resulted in a classification of benign for this disease.

NM_004431.5(EPHA2):c.1608G>A (p.Ala536=)

Gene: EPHA2 (EPH receptor A2; minus strand). Cytogenetic location: 1p36.13.
Variant type: single nucleotide variant.
Coding change: c.1608G>A on transcript NM_004431.5 (MANE Select); coding-DNA position 1608, G replaced by A.
Protein change: p.Ala536=; no amino-acid change (alanine 536 retained).
Molecular consequence: synonymous variant.
Genome position (GRCh38, 1-based): chr1:16,134,542, C>T on the plus strand (G>A on the coding strand, the complement: EPHA2 is on the minus strand). VCF-style: chr1-16134542-C-T. GRCh37 (hg19) VCF-style: chr1-16461037-C-T.
Other names: c.1446G>A, p.Ala482= (NM_001329090.2).
Identifiers: ClinVar variation 293427 (VCV000293427.6), dbSNP rs777962415, ClinGen allele CA625112.